The following is an entry in ClinVar:

NM_001165963.4(SCN1A):c.825T>A (p.Asn275Lys)

Gene: SCN1A (sodium voltage-gated channel alpha subunit 1; minus strand). Cytogenetic location: 2q24.3.
Variant type: single nucleotide variant.
Coding change: c.825T>A on transcript NM_001165963.4 (MANE Select); coding-DNA position 825, T replaced by A.
Protein change: p.Asn275Lys; replaces asparagine 275 with lysine.
Molecular consequence: missense variant. On other transcripts: 5 prime UTR variant (1), non-coding transcript variant (1).
Genome position (GRCh38, 1-based): chr2:166,051,858, A>T on the plus strand (T>A on the coding strand, the complement: SCN1A is on the minus strand). VCF-style: chr2-166051858-A-T. GRCh37 (hg19) VCF-style: chr2-166908368-A-T.
Other names: c.825T>A, p.Asn275Lys (NM_001165964.3, NM_001202435.3, NM_001353948.2 and 10 more transcripts); c.-1601T>A (NM_001353961.2); short protein forms N275K.
Identifiers: ClinVar variation 1424235 (VCV001424235.7), dbSNP rs2105889740, ClinGen allele CA349073139.

ClinVar aggregate classification (germline): Uncertain significance (1 of 4 stars; one submission).

Conditions:
Early-infantile DEE. Also called: Ohtahara syndrome; Early infantile epileptic encephalopathy with suppression bursts; Early infantile epileptic encephalopathy. Identifiers: Orphanet 1934, MedGen C0393706, MONDO:0800491.

Submission:

Labcorp Genetics (formerly Invitae), Labcorp
Classification: Uncertain significance for Early-infantile DEE. Last evaluated: 2021-08-26. Review status: criteria provided, single submitter. Criteria: Invitae Variant Classification Sherloc (09022015). Collection method: clinical testing. Allele origin: germline.
Comment: In summary, the available evidence is currently insufficient to determine the role of this variant in disease. Therefore, it has been classified as a Variant of Uncertain Significance. Advanced modeling of protein sequence and biophysical properties (such as structural, functional, and spatial information, amino acid conservation, physicochemical variation, residue mobility, and thermodynamic stability) performed at Invitae indicates that this missense variant is not expected to disrupt SCN1A protein function. This missense change has been observed in individual(s) with atypical multifocal Dravet syndrome (PMID: 24328833). This variant is not present in population databases (ExAC no frequency). This sequence change replaces asparagine with lysine at codon 275 of the SCN1A protein (p.Asn275Lys). The asparagine residue is highly conserved and there is a moderate physicochemical difference between asparagine and lysine.

Literature cited by the submitters: PubMed 24328833.